The following is an entry in ClinVar:

NC_000001.10:g.(?_45974458)_(45974897_?)del

Gene: MMACHC (metabolism of cobalamin associated C; plus strand). Cytogenetic location: 1p34.1.
Variant type: Deletion.
Identifiers: ClinVar variation 1459897 (VCV001459897.5).

ClinVar aggregate classification (germline): Pathogenic (1 of 4 stars; one submission).

Conditions:
Cobalamin C disease. Also called: Cobalamin-C methylmalonic acidemia and homocystinuria; Methylmalonic acidemia and homocystinuria cblC type; methylmalonic aciduria and homocystinuria type cblC; Methylmalonic aciduria and homocystinuria, Vitamin B12-responsive; Vitamin B12 metabolic defect with combined deficiency of methylmalonyl-CoA mutase and homocysteine:methyltetrahydrofolate methyltransferase; Methylmalonic aciduria with homocystinuria cblC type. Identifiers: Orphanet 26, Orphanet 79282, MedGen C1848561, MONDO:0010184, OMIM 277400.

Submission:

Labcorp Genetics (formerly Invitae), Labcorp
Classification: Pathogenic for Cobalamin C disease. Last evaluated: 2022-10-08. Review status: criteria provided, single submitter. Criteria: Invitae Variant Classification Sherloc (09022015). Collection method: clinical testing. Allele origin: germline.
Comment: This variant is a gross deletion of the genomic region encompassing exon(s) 4 of the MMACHC gene, which includes the termination codon. This deletion extends beyond the assayed region for this gene and therefore may encompass additional genes. While this deletion is not anticipated to lead to nonsense mediated decay, it is expected to alter mRNA translation or result in a truncated protein product. This variant has not been reported in the literature in individuals affected with MMACHC-related conditions. This variant disrupts a region of the MMACHC protein in which other variant(s) (p.Cys149Hisfs*32) have been determined to be pathogenic (PMID: 26464686, 30157807). This suggests that this is a clinically significant region of the protein, and that variants that disrupt it are likely to be disease-causing. For these reasons, this variant has been classified as Pathogenic.

Literature cited by the submitters: PubMed 26464686; PubMed 30157807.